The following is an entry in ClinVar:

NM_000097.7(CPOX):c.1312A>G (p.Lys438Glu)

Gene: CPOX (coproporphyrinogen oxidase; minus strand). Cytogenetic location: 3q11.2.
Variant type: single nucleotide variant.
Coding change: c.1312A>G on transcript NM_000097.7 (MANE Select); coding-DNA position 1312, A replaced by G.
Protein change: p.Lys438Glu; replaces lysine 438 with glutamic acid.
Molecular consequence: missense variant.
Genome position (GRCh38, 1-based): chr3:98,580,736, T>C on the plus strand (A>G on the coding strand, the complement: CPOX is on the minus strand). VCF-style: chr3-98580736-T-C. GRCh37 (hg19) VCF-style: chr3-98299580-T-C.
Other names: short protein forms K438E.
Identifiers: ClinVar variation 1036864 (VCV001036864.5), dbSNP rs769371567, ClinGen allele CA2511446.

ClinVar aggregate classification (germline): Uncertain significance (1 of 4 stars; one submission).

Allele frequency attached by ClinVar (database versions not stated): gnomAD exomes below 0.00001 and 0.00001; ExAC 0.00002; TOPMed 0.00002; gnomAD 0.00003.
gnomAD v4.1: 5 of 1,614,088 alleles (0.00031%); highest among the groups gnomAD compares: African/African-American, 0.0067%; no homozygotes.

Submission:

Labcorp Genetics (formerly Invitae), Labcorp
Classification: Uncertain significance. Last evaluated: 2022-07-01. Review status: criteria provided, single submitter. Criteria: Invitae Variant Classification Sherloc (09022015). Collection method: clinical testing. Allele origin: germline.
Comment: In summary, the available evidence is currently insufficient to determine the role of this variant in disease. Therefore, it has been classified as a Variant of Uncertain Significance. Algorithms developed to predict the effect of missense changes on protein structure and function (SIFT, PolyPhen-2, Align-GVGD) all suggest that this variant is likely to be tolerated. ClinVar contains an entry for this variant (Variation ID: 1036864). This missense change has been observed in individual(s) with clinical features of CPOX-related conditions (Invitae). This variant is present in population databases (rs769371567, gnomAD 0.02%). This sequence change replaces lysine, which is basic and polar, with glutamic acid, which is acidic and polar, at codon 438 of the CPOX protein (p.Lys438Glu).